The following is an entry in ClinVar:

ClinVar aggregate classification (germline): Pathogenic. Review status: reviewed by expert panel (3 of 4 stars). 2 submissions from 2 submitters: Pathogenic (1). 1 of the submissions does not count toward it. Last evaluated 2016-10-18.

Conditions:
Breast-ovarian cancer, familial, susceptibility to, 2 (BROVCA2). Also called: BRCA2 Hereditary Breast and Ovarian Cancer. Identifiers: Orphanet 145, MedGen C2675520, MONDO:0012933, OMIM 612555. Disease mechanism: loss of function.

Submissions (2):

Evidence-based Network for the Interpretation of Germline Mutant Alleles (ENIGMA)
Classification: Pathogenic for Breast-ovarian cancer, familial, susceptibility to, 2. Last evaluated: 2016-10-18. Review status: reviewed by expert panel. Criteria: ENIGMA BRCA1/2 Classification Criteria (2015). Collection method: curation. Allele origin: germline.
Comment: Variant allele predicted to encode a truncated non-functional protein.

Consortium of Investigators of Modifiers of BRCA1/2 (CIMBA), c/o University of Cambridge
Classification: Pathogenic for Breast-ovarian cancer, familial, susceptibility to, 2. Last evaluated: 2015-10-02. Review status: criteria provided, single submitter. Criteria: CIMBA Mutation Classification guidelines May 2016. Collection method: clinical testing. Allele origin: germline. Not counted in ClinVar's aggregate classification.

NM_000059.4(BRCA2):c.5945dup (p.Ser1982fs)

Gene: BRCA2 (BRCA2 DNA repair associated; plus strand). Cytogenetic location: 13q13.1.
Variant type: Duplication.
Coding change: c.5945dup on transcript NM_000059.4 (MANE Select); coding-DNA position 5945, one base duplicated (G; older notation c.5945dupG).
Protein change: p.Ser1982fs; shifts the reading frame from serine 1982.
Molecular consequence: frameshift variant.
Genome position (GRCh38, 1-based): chr13:32,340,300, G duplicated. VCF-style (leftmost placement, unchanged base first): chr13-32340299-A-AG. GRCh37 (hg19) VCF-style: chr13-32914436-A-AG.
Other names: 6173insG-ter2002; c.5945dupG (NM_000059.3); short protein forms S1982fs.
Identifiers: ClinVar variation 51968 (VCV000051968.7), dbSNP rs397507812, ClinGen allele CA023394.
Genomic context (GRCh38, chr13:32,340,299, plus strand): 5'-ATAGGGAAGCTTCATAAGTCAGTCTCATCTGCAAATACTTGTGGGATTTTTAGCACAGCA[A>AG]GTGGAAAATCTGTCCAGGTATCAGATGCTTCATTACAAAACGCAAGACAAGTGTTTTCTG-3'